The following is an entry in ClinVar:

NM_001039591.3(USP9X):c.562A>G (p.Asn188Asp)

Gene: USP9X (ubiquitin specific peptidase 9 X-linked; plus strand). Cytogenetic location: Xp11.4.
Variant type: single nucleotide variant.
Coding change: c.562A>G on transcript NM_001039591.3 (MANE Select); coding-DNA position 562, A replaced by G.
Protein change: p.Asn188Asp; replaces asparagine 188 with aspartic acid.
Molecular consequence: missense variant.
Genome position (GRCh38, 1-based): chrX:41,136,930, A>G. VCF-style: chrX-41136930-A-G. GRCh37 (hg19) VCF-style: chrX-40996183-A-G.
Other names: c.562A>G, p.Asn188Asp (NM_001039590.3); short protein forms N188D.
Identifiers: ClinVar variation 384085 (VCV000384085.6), dbSNP rs757903212, ClinGen allele CA10388326.
Genomic context (GRCh38, chrX:41,136,930, plus strand): 5'-TTTCCACTTTTAGAACTTCTTGCCATGGCCTTAAATCCTCATTGCAAATTCCATATCTAC[A>G]ATGGTACACGTCCATGTGAATCAGTTTCCTCAAGTGTTCAGTTGCCTGAAGATGAACTCT-3'
Protein context (NP_001034680.2, residues 178-198): LNPHCKFHIY[Asn188Asp]GTRPCESVSS

ClinVar aggregate classification (germline): Likely pathogenic (1 of 4 stars; one submission).

Allele frequency attached by ClinVar (database versions not stated): ExAC 0.00001.

Submission:

GeneDx
Classification: Likely pathogenic. Last evaluated: 2023-08-25. Review status: criteria provided, single submitter. Criteria: GeneDx Variant Classification Process June 2021. Collection method: clinical testing. Allele origin: germline. Affected: yes.
Comment: Has not been previously published as pathogenic or benign to our knowledge; Not observed at significant frequency in large population cohorts (gnomAD); In silico analysis supports that this missense variant has a deleterious effect on protein structure/function